The following is an entry in ClinVar:

NM_005609.4(PYGM):c.803del (p.Leu268fs)

Gene: PYGM (glycogen phosphorylase, muscle associated; minus strand). Cytogenetic location: 11q13.1.
Variant type: Deletion.
Coding change: c.803del on transcript NM_005609.4 (MANE Select); coding-DNA position 803, one base deleted (T; older notation c.803delT).
Protein change: p.Leu268fs; shifts the reading frame from leucine 268.
Molecular consequence: frameshift variant.
Genome position (GRCh38, 1-based): chr11:64,755,325, A deleted on the plus strand (T on the coding strand, the reverse complement: PYGM is on the minus strand); the first of 2 consecutive A bases (chr11:64,755,325-64,755,326); deleting either gives the same sequence. VCF-style (leftmost placement, unchanged base first): chr11-64755324-CA-C. GRCh37 (hg19) VCF-style: chr11-64522796-CA-C.
Other names: c.539del, p.Leu180fs (NM_001164716.1); short protein forms L268fs, L180fs.
Identifiers: ClinVar variation 1961130 (VCV001961130.5), dbSNP rs2496663250, ClinGen allele CA2567637297.
Genomic context (GRCh38, chr11:64,755,324, plus strand): 5'-GTGACGCACATTATCATTGGGGTACAGGACACGAGAGATGTTCTCCGCCAGGTTTCGGTC[CA>C]ACACAGCCTGGATGTAGCCACCGACATTGACTGAGGGACAAAAGTGGGGACAGGGTAAGG-3'

ClinVar aggregate classification (germline): Pathogenic (1 of 4 stars; one submission).

Conditions:
Glycogen storage disease, type V (GSD5). Also called: MCARDLE DISEASE; MUSCLE GLYCOGEN PHOSPHORYLASE DEFICIENCY; MYOPHOSPHORYLASE DEFICIENCY; PYGM DEFICIENCY; McArdle type glycogen storage disease. Identifiers: Orphanet 368, MedGen C0017924, MONDO:0009293, OMIM 232600.

Submission:

Labcorp Genetics (formerly Invitae), Labcorp
Classification: Pathogenic for Glycogen storage disease, type V. Last evaluated: 2022-10-31. Review status: criteria provided, single submitter. Criteria: Invitae Variant Classification Sherloc (09022015). Collection method: clinical testing. Allele origin: germline.
Comment: For these reasons, this variant has been classified as Pathogenic. This variant has not been reported in the literature in individuals affected with PYGM-related conditions. This variant is not present in population databases (gnomAD no frequency). This sequence change creates a premature translational stop signal (p.Leu268Trpfs*27) in the PYGM gene. It is expected to result in an absent or disrupted protein product. Loss-of-function variants in PYGM are known to be pathogenic (PMID: 8316268, 16786513).

Literature cited by the submitters: PubMed 8316268; PubMed 16786513.